The following is an entry in ClinVar:

ClinVar aggregate classification (germline): Uncertain significance. Review status: criteria provided, multiple submitters, no conflicts (2 of 4 stars). 2 submissions from 2 submitters: Uncertain significance (2). Last evaluated 2026-07-29.

Conditions:
Primary ciliary dyskinesia. Also called: Ciliary dyskinesia. Identifiers: Orphanet 244, MedGen C0008780, MONDO:0016575, HP:0012265.

gnomAD v4.1: 2 of 1,611,966 alleles (0.00012%); no homozygotes.

Submissions (2):

Ambry Genetics
Classification: Uncertain significance for Primary ciliary dyskinesia. Last evaluated: 2026-07-29. Review status: criteria provided, single submitter. Criteria: Ambry Variant Classification Scheme 2023. Collection method: clinical testing. Allele origin: germline.

Labcorp Genetics (formerly Invitae), Labcorp
Classification: Uncertain significance for Primary ciliary dyskinesia. Last evaluated: 2022-08-22. Review status: criteria provided, single submitter. Criteria: Invitae Variant Classification Sherloc (09022015). Collection method: clinical testing. Allele origin: germline.
Comment: Advanced modeling of protein sequence and biophysical properties (such as structural, functional, and spatial information, amino acid conservation, physicochemical variation, residue mobility, and thermodynamic stability) performed at Invitae indicates that this missense variant is not expected to disrupt DNAH11 protein function. In summary, the available evidence is currently insufficient to determine the role of this variant in disease. Therefore, it has been classified as a Variant of Uncertain Significance. Algorithms developed to predict the effect of sequence changes on RNA splicing suggest that this variant may disrupt the consensus splice site. This variant has not been reported in the literature in individuals affected with DNAH11-related conditions. This variant is not present in population databases (gnomAD no frequency). This sequence change replaces threonine, which is neutral and polar, with proline, which is neutral and non-polar, at codon 480 of the DNAH11 protein (p.Thr480Pro).

NM_001277115.2(DNAH11):c.1438A>C (p.Thr480Pro)

Gene: DNAH11 (dynein axonemal heavy chain 11; plus strand). Cytogenetic location: 7p15.3.
Variant type: single nucleotide variant.
Coding change: c.1438A>C on transcript NM_001277115.2 (MANE Select); coding-DNA position 1438, A replaced by C.
Protein change: p.Thr480Pro; replaces threonine 480 with proline.
Molecular consequence: missense variant.
Genome position (GRCh38, 1-based): chr7:21,571,818, A>C. VCF-style: chr7-21571818-A-C. GRCh37 (hg19) VCF-style: chr7-21611436-A-C.
Other names: c.1438A>C, p.Thr480Pro (NM_003777.3); c.1438A>C (NM_001277115.1); short protein forms T480P.
Identifiers: ClinVar variation 2184094 (VCV002184094.5), dbSNP rs763939941, ClinGen allele CA366935776.
Genomic context (GRCh38, chr7:21,571,818, plus strand): 5'-TTTGCTGCTCAATGTAGTGGAAAGGTCTTTACTGTGTTTTTTACAAAGGATATATTTGCC[A>C]CCACTTTGGAATTTGAAAAGCTGGAAAGACTGGAATTTGGTGGTACCAAAGGAGCAATTT-3'
Protein context (NP_001264044.1, residues 470-490): RLIKIEDIFA[Thr480Pro]TLEFEKLERL